The following is an entry in ClinVar:

ClinVar aggregate classification (germline): Likely pathogenic (1 of 4 stars; one submission).

Conditions:
Neurodevelopmental disorder with microcephaly, arthrogryposis, and structural brain anomalies. Identifiers: Orphanet 664923, MedGen C5231431, MONDO:0032838, OMIM 618622.

Submission:

SIB Swiss Institute of Bioinformatics
Classification: Likely pathogenic for Neurodevelopmental disorder with microcephaly, arthrogryposis, and structural brain anomalies. Last evaluated: 2020-02-14. Review status: criteria provided, single submitter. Criteria: ACMG Guidelines, 2015. Collection method: curation. Allele origin: unknown.
Comment: This variant is interpreted as likely pathogenic for Neurodevelopmental disorder with microcephaly, arthrogryposis, and structural brain anomalies, autosomal recessive. The following ACMG Tag(s) were applied: PM2, PP1, PVS1-Srong.

Literature cited by the submitters: PubMed 31495489.

NM_017951.5(SMPD4):c.253G>T (p.Glu85Ter)

Gene: SMPD4 (sphingomyelin phosphodiesterase 4; minus strand). Cytogenetic location: 2q21.1.
Variant type: single nucleotide variant.
Coding change: c.253G>T on transcript NM_017951.5 (MANE Select); coding-DNA position 253, G replaced by T.
Protein change: p.Glu85Ter; replaces glutamic acid 85 with a stop codon.
Molecular consequence: nonsense. On other transcripts: non-coding transcript variant (1), intron variant (1).
Genome position (GRCh38, 1-based): chr2:130,173,530, C>A on the plus strand (G>T on the coding strand, the complement: SMPD4 is on the minus strand). VCF-style: chr2-130173530-C-A. GRCh37 (hg19) VCF-style: chr2-130931103-C-A.
Other names: c.370G>T, p.Glu124Ter (NM_017751.4); c.244-635G>T (NM_001171083.2); short protein forms E124*, E85*.
Identifiers: ClinVar variation 870337 (VCV000870337.1), dbSNP rs1688675737, ClinGen allele CA348480830.